The following is an entry in ClinVar:

ClinVar aggregate classification (germline): Uncertain significance (0 of 4 stars; one submission).

Conditions:
MED12-Related Disorders. Also called: MED12-related condition; MED12-related disorder. Identifiers: MedGen CN381102.

Submission:

PreventionGenetics, part of Exact Sciences
Classification: Uncertain significance for MED12-related condition. Last evaluated: 2024-05-07. Review status: no assertion criteria provided. Collection method: clinical testing. Allele origin: germline.
Comment: The MED12 c.3577+6T>C variant is predicted to interfere with splicing. To our knowledge, this variant has not been reported in the literature or in a large population database, indicating this variant is rare. At this time, the clinical significance of this variant is uncertain due to the absence of conclusive functional and genetic evidence.

NM_005120.3(MED12):c.3577+6T>C

Gene: MED12 (mediator complex subunit 12; plus strand). Cytogenetic location: Xq13.1.
Variant type: single nucleotide variant.
Coding change: c.3577+6T>C on transcript NM_005120.3 (MANE Select); 6 bases into the intron after coding-DNA position 3577, T replaced by C.
Molecular consequence: intron variant.
Genome position (GRCh38, 1-based): chrX:71,129,221, T>C. VCF-style: chrX-71129221-T-C. GRCh37 (hg19) VCF-style: chrX-70349071-T-C.
Identifiers: ClinVar variation 3346550 (VCV003346550.1).